The following is an entry in ClinVar:

NM_005689.4(ABCB6):c.2391C>T (p.Ile797=)

Gene: ABCB6 (ATP binding cassette subfamily B member 6 (LAN blood group); minus strand). Cytogenetic location: 2q35.
Variant type: single nucleotide variant.
Coding change: c.2391C>T on transcript NM_005689.4 (MANE Select); coding-DNA position 2391, C replaced by T.
Protein change: p.Ile797=; no amino-acid change (isoleucine 797 retained).
Molecular consequence: synonymous variant.
Genome position (GRCh38, 1-based): chr2:219,210,259, G>A on the plus strand (C>T on the coding strand, the complement: ABCB6 is on the minus strand). VCF-style: chr2-219210259-G-A. GRCh37 (hg19) VCF-style: chr2-220074981-G-A.
Other names: c.2253C>T, p.Ile751= (NM_001349828.2).
Identifiers: ClinVar variation 4994098 (VCV004994098.1).

ClinVar aggregate classification (germline): Likely benign (1 of 4 stars; one submission).

Conditions:
ABCB6-related disorder. Also called: ABCB6-related condition.

gnomAD v4.1: 83 of 1,614,194 alleles (0.0051%); highest among the groups gnomAD compares: South Asian, 0.076%; 1 homozygote.

Submission:

PreventionGenetics, part of Exact Sciences
Classification: Likely benign for ABCB6-related condition. Last evaluated: 2025-12-16. Review status: criteria provided, single submitter. Criteria: ACMG Guidelines, 2015. Collection method: clinical testing. Allele origin: germline.
Comment: This variant is classified as likely benign based on ACMG/AMP sequence variant interpretation guidelines (Richards et al. 2015 PMID: 25741868, with internal and published modifications).